The following is an entry in ClinVar:

ClinVar aggregate classification (germline): Uncertain significance (1 of 4 stars; one submission).

Submission:

Labcorp Genetics (formerly Invitae), Labcorp
Classification: Uncertain significance. Last evaluated: 2025-06-03. Review status: criteria provided, single submitter. Criteria: Invitae Variant Classification Sherloc (09022015). Collection method: clinical testing. Allele origin: germline.
Comment: This sequence change falls in intron 7 of the CSF2RB gene. It does not directly change the encoded amino acid sequence of the CSF2RB protein. Information on the frequency of this variant in the gnomAD database is not available, as this variant may be reported differently in the database. This variant has not been reported in the literature in individuals affected with CSF2RB-related conditions. In summary, the available evidence is currently insufficient to determine the role of this variant in disease. Therefore, it has been classified as a Variant of Uncertain Significance.

NM_000395.3(CSF2RB):c.854+15_854+16delinsAA

Gene: CSF2RB (colony stimulating factor 2 receptor subunit beta; plus strand). Cytogenetic location: 22q12.3.
Variant type: Indel.
Coding change: c.854+15_854+16delinsAA on transcript NM_000395.3 (MANE Select); bases 15 to 16 of the intron after coding-DNA position 854, TC replaced by AA.
Molecular consequence: intron variant.
Genome position (GRCh38, 1-based): chr22:36,930,525-36,930,526, TC replaced by AA. VCF-style: chr22-36930525-TC-AA. GRCh37 (hg19) VCF-style: chr22-37326567-TC-AA.
Other names: c.854+15_854+16delinsAA (NM_001410827.1).
Identifiers: ClinVar variation 4764885 (VCV004764885.1).